The following is an entry in ClinVar:

ClinVar aggregate classification (germline): Likely benign. Review status: reviewed by expert panel (3 of 4 stars). 3 submissions from 3 submitters: Likely benign (1). 2 of the submissions do not count toward it. Last evaluated 2024-09-12.

Conditions:
Hereditary thrombocytopenia and hematological cancer predisposition syndrome associated with RUNX1. Also called: PLATELET DISORDER, ASPIRIN-LIKE; RUNX1 Familial Platelet Disorder with Associated Myeloid Malignancies; Familial Platelet Disorder with Propensity to Acute Myelogenous Leukemia; Familial thrombocytopenia with propensity to acute myelogenous leukemia. Identifiers: Orphanet 71290, MedGen C1832388, MeSH C563324, MONDO:0100083, OMIM 601399.
RUNX1-related disorder. Also called: RUNX1-related condition.
Hereditary thrombocytopenia and hematologic cancer predisposition syndrome. Identifiers: Orphanet 71290, MedGen CN281654, MONDO:0011071.

Submissions (3):

ClinGen Myeloid Malignancy Variant Curation Expert Panel
Classification: Likely benign for Hereditary thrombocytopenia and hematologic cancer predisposition syndrome. Last evaluated: 2024-09-12. Review status: reviewed by expert panel. Criteria: ClinGen MyeloMalig ACMG Specifications v2. Collection method: curation. Allele origin: germline. Inheritance: Autosomal dominant inheritance.
Comment: NM_001754.5(RUNX1):c.1077G>C (p.Pro359=) is a synonymous variant which has a SpliceAI score ≤ 0.20 (0.0) (BP4). This variant has a SpliceAI score ≤ 0.20 (0.0) and evolutionary conservation algorithms predict the site as not being conserved (PhyloP score ≤ 2.0 (-2.88) (BP7). This variant is completely absent from all population databases with at least 20x coverage for RUNX1 (PM2_Supporting). In summary, this variant meets criteria to be classified as likely benign. ACMG/AMP criteria applied, as specified by the Myeloid Malignancy Variant Curation Expert Panel for RUNX1: BP4, BP7, PM2_supporting.

Labcorp Genetics (formerly Invitae), Labcorp
Classification: Likely benign for Hereditary thrombocytopenia and hematological cancer predisposition syndrome associated with RUNX1. Last evaluated: 2022-12-14. Review status: criteria provided, single submitter. Criteria: Invitae Variant Classification Sherloc (09022015). Collection method: clinical testing. Allele origin: germline. Not counted in ClinVar's aggregate classification.

PreventionGenetics, part of Exact Sciences
Classification: Likely benign for RUNX1-related condition. Last evaluated: 2021-12-30. Review status: no assertion criteria provided. Collection method: clinical testing. Allele origin: germline. Not counted in ClinVar's aggregate classification.
Comment: This variant is classified as likely benign based on ACMG/AMP sequence variant interpretation guidelines (Richards et al. 2015 PMID: 25741868, with internal and published modifications).

NM_001754.5(RUNX1):c.1077G>C (p.Pro359=)

Gene: RUNX1 (RUNX family transcription factor 1; minus strand). Cytogenetic location: 21q22.12.
Variant type: single nucleotide variant.
Coding change: c.1077G>C on transcript NM_001754.5 (MANE Select); coding-DNA position 1077, G replaced by C.
Protein change: p.Pro359=; no amino-acid change (proline 359 retained).
Molecular consequence: synonymous variant.
Genome position (GRCh38, 1-based): chr21:34,792,501, C>G on the plus strand (G>C on the coding strand, the complement: RUNX1 is on the minus strand). VCF-style: chr21-34792501-C-G. GRCh37 (hg19) VCF-style: chr21-36164798-C-G.
Other names: NM_001754.5(RUNX1):c.1077G>C; p.Pro359=; c.996G>C, p.Pro332= (NM_001001890.3); c.1077G>C (NM_001754.4).
Identifiers: ClinVar variation 1674833 (VCV001674833.11), dbSNP rs2056458690, ClinGen allele CA512341323.
Genomic context (GRCh38, chr21:34,792,501, plus strand): 5'-GGTGTGGTAGCGCGTGGCCGAGCCCATGGCCGACATGCCGATGCCGATGCCCGAGGTGAC[C>G]GGCGTCGGGGAGTAGGTGAAGGCGCCTGGATAGTGCATGCGGGGGTCGGAGATGGAGGGC-3'
Protein context (NP_001745.2, residues 349-369): YPGAFTYSPT[Pro359=]VTSGIGIGMS